The following is an entry in ClinVar:

ClinVar aggregate classification (germline): Pathogenic/Likely pathogenic. Review status: criteria provided, multiple submitters, no conflicts (2 of 4 stars). 3 submissions from 3 submitters: Pathogenic (1); Likely pathogenic (1). 1 of the submissions does not count toward it. Last evaluated 2024-07-08.

Conditions:
Retinitis pigmentosa 32 (RP32). Identifiers: Orphanet 791, MedGen C1835927, MONDO:0012363, OMIM 609913.
Retinal dystrophy. Also called: Inherited retinal dystrophy. Identifiers: Orphanet 71862, MedGen C0854723, MeSH D058499, MONDO:0019118, HP:0000556.

Allele frequency attached by ClinVar (database versions not stated): gnomAD exomes 0.00003 and 0.00005; gnomAD 0.00001 and below 0.00001; ExAC 0.00004.

Submissions (3):

Labcorp Genetics (formerly Invitae), Labcorp
Classification: Pathogenic. Last evaluated: 2024-07-08. Review status: criteria provided, single submitter. Criteria: Invitae Variant Classification Sherloc (09022015). Collection method: clinical testing. Allele origin: germline.
Comment: This sequence change replaces aspartic acid, which is acidic and polar, with glutamic acid, which is acidic and polar, at codon 25 of the CLCC1 protein (p.Asp25Glu). This variant is present in population databases (rs750180668, gnomAD 0.05%). This missense change has been observed in individuals with retinitis pigmentosa (PMID: 30157172). ClinVar contains an entry for this variant (Variation ID: 972741). An algorithm developed to predict the effect of missense changes on protein structure and function (PolyPhen-2) suggests that this variant is likely to be disruptive. Experimental studies have shown that this missense change affects CLCC1 function (PMID: 30157172). For these reasons, this variant has been classified as Pathogenic.

Ophthalmic Genetics Group, Institute of Molecular and Clinical Ophthalmology Basel
Classification: Likely pathogenic for Retinal dystrophy. Last evaluated: 2024-05-27. Review status: criteria provided, single submitter. Criteria: ACMG Guidelines, 2015. Collection method: research. Allele origin: germline. Affected: yes. Observed: 2 variant alleles.
Comment: This variant was classified as Likely pathogenic based on ACMG criteria: PS3_sup, PM2_mod and PM3_strong

OMIM
Classification: Pathogenic for RETINITIS PIGMENTOSA 32. Last evaluated: 2020-07-15. Review status: no assertion criteria provided. Collection method: literature only. Allele origin: germline. Not counted in ClinVar's aggregate classification.

Literature cited by the submitters: PubMed 30157172 (cited by 3 submitters); PubMed 16189710 (cited by Ophthalmic Genetics Group, Institute of Molecular and Clinical Ophthalmology Basel and OMIM); PubMed 40180963 (cited by Ophthalmic Genetics Group, Institute of Molecular and Clinical Ophthalmology Basel).

NM_001377458.1(CLCC1):c.75C>A (p.Asp25Glu)

Gene: CLCC1 (chloride channel CLIC like 1; minus strand). Cytogenetic location: 1p13.3.
Variant type: single nucleotide variant.
Coding change: c.75C>A on transcript NM_001377458.1 (MANE Select); coding-DNA position 75, C replaced by A.
Protein change: p.Asp25Glu; replaces aspartic acid 25 with glutamic acid.
Molecular consequence: missense variant. On other transcripts: 5 prime UTR variant (1), non-coding transcript variant (1).
Genome position (GRCh38, 1-based): chr1:108,950,363, G>T on the plus strand (C>A on the coding strand, the complement: CLCC1 is on the minus strand). VCF-style: chr1-108950363-G-T. GRCh37 (hg19) VCF-style: chr1-109492985-G-T.
Other names: NP_001364387.1:p.(Asp25Glu); c.75C>A, p.Asp25Glu (NM_001048210.3, NM_001278202.2, NM_001278203.1 and 12 more transcripts); c.-388C>A (NM_001377470.1); short protein forms D25E.
Identifiers: ClinVar variation 972741 (VCV000972741.12), dbSNP rs750180668, ClinGen allele CA983687.